The following is an entry in ClinVar:

ClinVar aggregate classification (germline): Likely benign. Review status: criteria provided, multiple submitters, no conflicts (2 of 4 stars). 6 submissions from 6 submitters: Likely benign (6). Last evaluated 2025-09-14.

Conditions:
ACTA2-related disorder. Also called: ACTA2-related disorders; ACTA2-related condition.
Familial thoracic aortic aneurysm and aortic dissection (TAAD). Also called: Thoracic aortic aneurysms and dissections. Identifiers: Orphanet 91387, MedGen C4707243, MONDO:0019625.
Aortic aneurysm, familial thoracic 6 (AAT6). Also called: FAMILIAL THORACIC AORTIC ANEURYSM WITH LIVEDO RETICULARIS AND IRIS FLOCCULI. Identifiers: MedGen C2673186, MONDO:0012730, OMIM 611788.

Allele frequency attached by ClinVar (database versions not stated): gnomAD exomes 0.00002 and 0.00004; ExAC 0.00003; gnomAD 0.00005 and 0.00006; TOPMed 0.00006; 1000 Genomes Project 30x 0.00016; 1000 Genomes Project 0.00020.
gnomAD v4.1: 42 of 1,613,926 alleles (0.0026%); highest among the groups gnomAD compares: African/African-American, 0.015%; no homozygotes.

Submissions (6):

Labcorp Genetics (formerly Invitae), Labcorp
Classification: Likely benign for Aortic aneurysm, familial thoracic 6. Last evaluated: 2025-09-14. Review status: criteria provided, single submitter. Criteria: Invitae Variant Classification Sherloc (09022015). Collection method: clinical testing. Allele origin: germline.

PreventionGenetics, part of Exact Sciences
Classification: Likely benign for ACTA2-related condition. Last evaluated: 2025-04-23. Review status: criteria provided, single submitter. Criteria: ACMG Guidelines, 2015. Collection method: clinical testing. Allele origin: germline.
Comment: This variant is classified as likely benign based on ACMG/AMP sequence variant interpretation guidelines (Richards et al. 2015 PMID: 25741868, with internal and published modifications).

All of Us Research Program, National Institutes of Health
Classification: Likely benign for Familial thoracic aortic aneurysm and aortic dissection. Last evaluated: 2024-08-06. Review status: criteria provided, single submitter. Criteria: ACMG Guidelines, 2015. Collection method: clinical testing. Allele origin: germline. Inheritance: Autosomal dominant inheritance. Observed: 10 variant alleles, 10 heterozygotes.
Comment: This study involves interpretation of variants in research participants for the purpose of population health screening. Participant phenotype was not available at the time of variant classification. Additional details can be found in publication PMID: 35346344, PMCID: PMC8962531

Ambry Genetics
Classification: Likely benign for Familial thoracic aortic aneurysm and aortic dissection. Last evaluated: 2022-03-03. Review status: criteria provided, single submitter. Criteria: Ambry Variant Classification Scheme 2023. Collection method: clinical testing. Allele origin: germline.

Color Diagnostics, LLC DBA Color Health
Classification: Likely benign for Familial thoracic aortic aneurysm and aortic dissection. Last evaluated: 2018-10-18. Review status: criteria provided, single submitter. Criteria: ACMG Guidelines, 2015. Collection method: clinical testing. Allele origin: germline.

GeneDx
Classification: Likely benign. Last evaluated: 2016-12-05. Review status: criteria provided, single submitter. Criteria: GeneDx Variant Classification (06012015). Collection method: clinical testing. Allele origin: germline. Affected: yes.
Comment: This variant is considered likely benign or benign based on one or more of the following criteria: it is a conservative change, it occurs at a poorly conserved position in the protein, it is predicted to be benign by multiple in silico algorithms, and/or has population frequency not consistent with disease.

NM_001613.4(ACTA2):c.63C>T (p.Ala21=)

Gene: ACTA2 (actin alpha 2, smooth muscle; minus strand). Cytogenetic location: 10q23.31.
Variant type: single nucleotide variant.
Coding change: c.63C>T on transcript NM_001613.4 (MANE Select); coding-DNA position 63, C replaced by T.
Protein change: p.Ala21=; no amino-acid change (alanine 21 retained).
Molecular consequence: synonymous variant.
Genome position (GRCh38, 1-based): chr10:88,948,868, G>A on the plus strand (C>T on the coding strand, the complement: ACTA2 is on the minus strand). VCF-style: chr10-88948868-G-A. GRCh37 (hg19) VCF-style: chr10-90708625-G-A.
Other names: c.63C>T, p.Ala21= (NM_001141945.3, NM_001320855.2, NM_001406462.1 and 7 more transcripts).
Identifiers: ClinVar variation 391295 (VCV000391295.18), dbSNP rs201193926, ClinGen allele CA029160.